The following is an entry in ClinVar:

ClinVar aggregate classification (germline): Likely benign. Review status: criteria provided, multiple submitters, no conflicts (2 of 4 stars). 2 submissions from 2 submitters: Likely benign (2). Last evaluated 2024-07-31.

Conditions:
Juvenile polyposis syndrome (JPS). Identifiers: Orphanet 2929, MedGen C0345893, MONDO:0017380, OMIM 174900.

gnomAD v4.1: 2 of 1,607,258 alleles (0.00012%); highest among the groups gnomAD compares: East Asian, 0.0022%; no homozygotes.

Submissions (2):

Myriad Genetics, Inc.
Classification: Likely benign for Juvenile polyposis syndrome. Last evaluated: 2024-07-31. Review status: criteria provided, single submitter. Criteria: Myriad Autosomal Dominant, Autosomal Recessive and X-Linked Classification Criteria (2023). Collection method: clinical testing. Allele origin: unknown.
Comment: This variant is considered likely benign. This variant is intronic and is not expected to impact mRNA splicing.

Labcorp Genetics (formerly Invitae), Labcorp
Classification: Likely benign for Juvenile polyposis syndrome. Last evaluated: 2024-04-15. Review status: criteria provided, single submitter. Criteria: Invitae Variant Classification Sherloc (09022015). Collection method: clinical testing. Allele origin: germline.

NM_004329.3(BMPR1A):c.333+8A>G

Gene: BMPR1A (bone morphogenetic protein receptor type 1A; plus strand). Cytogenetic location: 10q23.2.
Variant type: single nucleotide variant.
Coding change: c.333+8A>G on transcript NM_004329.3 (MANE Select); 8 bases into the intron after coding-DNA position 333, A replaced by G.
Molecular consequence: intron variant.
Genome position (GRCh38, 1-based): chr10:86,892,237, A>G. VCF-style: chr10-86892237-A-G. GRCh37 (hg19) VCF-style: chr10-88651994-A-G.
Other names: c.333+8A>G (NM_001406562.1, NM_001406568.1, NM_001406567.1 and 23 more transcripts); c.249+8A>G (NM_001406584.1, NM_001406588.1, NM_001406587.1 and 2 more transcripts).
Identifiers: ClinVar variation 3378558 (VCV003378558.3).